The following is an entry in ClinVar:

Conditions:
Long QT syndrome 5 (LQT5). Identifiers: Orphanet 101016, Orphanet 768, MedGen C1867904, MONDO:0013372, OMIM 613695.

Submission:

Roden Lab, Vanderbilt University Medical Center
No classification provided (evidence only). Condition: Long QT syndrome 5. Review status: no classification provided. Collection method: in vitro. Allele origin: not applicable. Functional consequence: Effect on ion channel function.
ClinVar note: "not provided" was previously submitted as the classification for the variant. However, the classification appeared to be based only on an observation of functional data so it was converted to no classification on 2025-07-30.

NM_000219.6(KCNE1):c.222G>C (p.Ser74=)

Gene: KCNE1 (potassium voltage-gated channel subfamily E regulatory subunit 1; minus strand). Cytogenetic location: 21q22.12.
Variant type: single nucleotide variant.
Coding change: c.222G>C on transcript NM_000219.6 (MANE Select); coding-DNA position 222, G replaced by C.
Protein change: p.Ser74=; no amino-acid change (serine 74 retained).
Molecular consequence: synonymous variant.
Genome position (GRCh38, 1-based): chr21:34,449,413, C>G on the plus strand (G>C on the coding strand, the complement: KCNE1 is on the minus strand). VCF-style: chr21-34449413-C-G. GRCh37 (hg19) VCF-style: chr21-35821711-C-G.
Other names: c.222G>C, p.Ser74= (NM_001127668.4, NM_001127669.4, NM_001127670.4 and 4 more transcripts).
Identifiers: ClinVar variation 3374364 (VCV003374364.2).